The following is an entry in ClinVar:

NM_198578.4(LRRK2):c.419A>T (p.Asp140Val)

Gene: LRRK2 (leucine rich repeat kinase 2; plus strand). Cytogenetic location: 12q12.
Variant type: single nucleotide variant.
Coding change: c.419A>T on transcript NM_198578.4 (MANE Select); coding-DNA position 419, A replaced by T.
Protein change: p.Asp140Val; replaces aspartic acid 140 with valine.
Molecular consequence: missense variant.
Genome position (GRCh38, 1-based): chr12:40,235,697, A>T. VCF-style: chr12-40235697-A-T. GRCh37 (hg19) VCF-style: chr12-40629499-A-T.
Other names: p.Asp140Val; short protein forms D140V.
Identifiers: ClinVar variation 3380101 (VCV003380101.1).

ClinVar aggregate classification (germline): Uncertain significance (1 of 4 stars; one submission).

Submission:

Mayo Clinic Laboratories, Mayo Clinic
Classification: Uncertain significance. Last evaluated: 2024-09-05. Review status: criteria provided, single submitter. Criteria: ACMG Guidelines, 2015. Collection method: clinical testing. Allele origin: germline. Observed: 1 variant allele.
Comment: BP4, PM2